The following is an entry in ClinVar:

NM_177972.3(TUB):c.1211G>A (p.Arg404His)

Genes: RIC3 (RIC3 acetylcholine receptor chaperone; minus strand), TUB (TUB bipartite transcription factor; plus strand). Cytogenetic location: 11p15.4.
Variant type: single nucleotide variant.
Coding change: c.1211G>A on transcript NM_177972.3 (MANE Select); coding-DNA position 1211, G replaced by A.
Protein change: p.Arg404His; replaces arginine 404 with histidine.
Molecular consequence: missense variant.
Genome position (GRCh38, 1-based): chr11:8,100,597, G>A. VCF-style: chr11-8100597-G-A. GRCh37 (hg19) VCF-style: chr11-8122144-G-A.
Other names: c.1376G>A, p.Arg459His (NM_003320.5); short protein forms R459H, R404H.
Identifiers: ClinVar variation 960338 (VCV000960338.14), dbSNP rs144050808, ClinGen allele CA5871399.
Genomic context (GRCh38, chr11:8,100,597, plus strand): 5'-AGATGAGCGTGATTGTCCCAGGCATGAACATGGTTCATGAGAGAGTCTCTATCCGCCCCC[G>A]CAACGTGAGTGTCTACCCCTTCCTCCCCTCTTTCCCCATCATCCTAGTCTCTGCATGAGC-3'
Protein context (NP_813977.1, residues 394-414): MVHERVSIRP[Arg404His]NEHETLLARW

ClinVar aggregate classification (germline): Conflicting classifications of pathogenicity. Review status: criteria provided, conflicting classifications (1 of 4 stars). 4 submissions from 4 submitters: Uncertain significance (3); Likely benign (1). Last evaluated 2026-05-12.

Conditions:
TUB-related disorder. Also called: TUB-related condition.

Allele frequency attached by ClinVar (database versions not stated): ESP Exome Variant Server 0.00008; gnomAD exomes 0.00018 and 0.00007; ExAC 0.00026; 1000 Genomes Project 30x 0.00031; 1000 Genomes Project 0.00040.
gnomAD v4.1: 131 of 1,613,676 alleles (0.0081%); highest among the groups gnomAD compares: East Asian, 0.089%; 3 homozygotes.

Submissions (4):

PreventionGenetics, part of Exact Sciences
Classification: Uncertain significance for TUB-related condition. Last evaluated: 2026-05-12. Review status: criteria provided, single submitter. Criteria: ACMG Guidelines, 2015. Collection method: clinical testing. Allele origin: germline.
Comment: The TUB c.1376G>A variant is predicted to result in the amino acid substitution p.Arg459His. To our knowledge, this variant has not been reported in the literature associated with TUB-related retinal dystrophy and obesity. This variant is reported in 0.15% of alleles in individuals of East Asian descent in gnomAD, including two homozygotes. Although we suspect that this variant could be benign, at this time, the clinical significance of this variant is uncertain due to the absence of conclusive functional and genetic evidence.

Ambry Genetics
Classification: Uncertain significance. Last evaluated: 2025-08-13. Review status: criteria provided, single submitter. Criteria: Ambry Variant Classification Scheme 2023. Collection method: clinical testing. Allele origin: germline.

Labcorp Genetics (formerly Invitae), Labcorp
Classification: Uncertain significance. Last evaluated: 2024-12-16. Review status: criteria provided, single submitter. Criteria: Invitae Variant Classification Sherloc (09022015). Collection method: clinical testing. Allele origin: germline.
Comment: This sequence change replaces arginine, which is basic and polar, with histidine, which is basic and polar, at codon 459 of the TUB protein (p.Arg459His). This variant is present in population databases (rs144050808, gnomAD 0.1%). This variant has not been reported in the literature in individuals affected with TUB-related conditions. ClinVar contains an entry for this variant (Variation ID: 960338). An algorithm developed to predict the effect of missense changes on protein structure and function (PolyPhen-2) suggests that this variant is likely to be disruptive. In summary, the available evidence is currently insufficient to determine the role of this variant in disease. Therefore, it has been classified as a Variant of Uncertain Significance.

Blueprint Genetics
Classification: Likely benign. Last evaluated: 2024-10-23. Review status: criteria provided, single submitter. Criteria: ACMG Guidelines, 2015. Collection method: clinical testing. Allele origin: germline.